The following is an entry in ClinVar:

NM_014049.5(ACAD9):c.686_782dup (p.Asp261_Lys262insTer)

Gene: ACAD9 (acyl-CoA dehydrogenase family member 9; plus strand). Cytogenetic location: 3q21.3.
Variant type: Duplication.
Coding change: c.686_782dup on transcript NM_014049.5 (MANE Select); coding-DNA positions 686 to 782, 97 bases duplicated.
Protein change: p.Asp261_Lys262insTer.
Molecular consequence: nonsense, inframe insertion. On other transcripts: non-coding transcript variant (1).
Genome position (GRCh38, 1-based): chr3:128,899,339-128,899,435, 97 bases duplicated. GRCh37 (hg19): chr3:128,618,182-128,618,278.
Other names: c.317_413dup, p.Asp138_Lys139insTer (NM_001410805.1).
Identifiers: ClinVar variation 2724863 (VCV002724863.3), dbSNP rs2529261945, ClinGen allele CA2697556826.

ClinVar aggregate classification (germline): Pathogenic (1 of 4 stars; one submission).

Submission:

Labcorp Genetics (formerly Invitae), Labcorp
Classification: Pathogenic. Last evaluated: 2023-06-22. Review status: criteria provided, single submitter. Criteria: Invitae Variant Classification Sherloc (09022015). Collection method: clinical testing. Allele origin: germline.
Comment: For these reasons, this variant has been classified as Pathogenic. This variant has not been reported in the literature in individuals affected with ACAD9-related conditions. This variant is not present in population databases (gnomAD no frequency). This sequence change creates a premature translational stop signal (p.Lys262*) in the ACAD9 gene. It is expected to result in an absent or disrupted protein product. Loss-of-function variants in ACAD9 are known to be pathogenic (PMID: 25721401).

Literature cited by the submitters: PubMed 25721401.